The following is an entry in ClinVar:

NM_024027.5(COLEC11):c.130+1748C>T

Gene: COLEC11 (collectin subfamily member 11; plus strand). Cytogenetic location: 2p25.3.
Variant type: single nucleotide variant.
Coding change: c.130+1748C>T on transcript NM_024027.5 (MANE Select); 1748 bases into the intron after coding-DNA position 130, C replaced by T.
Molecular consequence: intron variant. On other transcripts: synonymous variant (4).
Genome position (GRCh38, 1-based): chr2:3,606,218, C>T. VCF-style: chr2-3606218-C-T. GRCh37 (hg19) VCF-style: chr2-3653808-C-T.
Other names: c.27C>T, p.Tyr9= (NM_001255986.1, NM_001255987.1, NM_001255988.1 and 1 more transcripts); c.42+1748C>T (NM_199235.3); c.130+1748C>T (NM_001255983.2, NM_001255982.2, NM_001255984.2); c.172+1748C>T (NM_001255985.1).
Identifiers: ClinVar variation 3341655 (VCV003341655.17).

ClinVar aggregate classification (germline): Likely benign. Review status: criteria provided, multiple submitters, no conflicts (2 of 4 stars). 2 submissions from 2 submitters: Likely benign (2). Last evaluated 2025-02-01.

gnomAD v4.1: 75 of 1,550,356 alleles (0.0048%); highest among the groups gnomAD compares: Admixed American, 0.031%; 1 homozygote.

Submissions (2):

CeGaT Center for Human Genetics Tuebingen
Classification: Likely benign. Last evaluated: 2025-02-01. Review status: criteria provided, single submitter. Criteria: CeGaT Center For Human Genetics Tuebingen Variant Classification Criteria Version 2. Collection method: clinical testing. Allele origin: germline. Affected: yes. Observed: 3 variant alleles.
Comment: COLEC11: BP4, BP7

Blueprint Genetics
Classification: Likely benign. Last evaluated: 2024-11-04. Review status: criteria provided, single submitter. Criteria: ACMG Guidelines, 2015. Collection method: clinical testing. Allele origin: germline.